The following is an entry in ClinVar:

NM_001378454.1(ALMS1):c.5369G>T (p.Gly1790Val)

Gene: ALMS1 (ALMS1 centrosome and basal body associated protein; plus strand). Cytogenetic location: 2p13.1.
Variant type: single nucleotide variant.
Coding change: c.5369G>T on transcript NM_001378454.1 (MANE Select); coding-DNA position 5369, G replaced by T.
Protein change: p.Gly1790Val; replaces glycine 1790 with valine.
Molecular consequence: missense variant.
Genome position (GRCh38, 1-based): chr2:73,451,896, G>T. VCF-style: chr2-73451896-G-T. GRCh37 (hg19) VCF-style: chr2-73679023-G-T.
Other names: c.5372G>T, p.Gly1791Val (NM_015120.4); short protein forms G1791V, G1790V.
Identifiers: ClinVar variation 2202378 (VCV002202378.4), dbSNP rs2466104692, ClinGen allele CA347281134.
Genomic context (GRCh38, chr2:73,451,896, plus strand): 5'-AGCAAGAGTTGCCAGATAGTCATCTAACTGAAGAGGCTCTGAAAGTTTCAAATGTTCCTG[G>T]ACCAGCTGACCAGAAGACTGGGGTATCAACAGTAACCTCTACTTCCTACTCACACAGAGA-3'
Protein context (NP_001365383.1, residues 1780-1800): EEALKVSNVP[Gly1790Val]PADQKTGVST

ClinVar aggregate classification (germline): Uncertain significance (1 of 4 stars; one submission).

Conditions:
Alstrom syndrome (ALMS). Identifiers: Orphanet 64, MedGen C0268425, MONDO:0008763, OMIM 203800.

Submission:

Labcorp Genetics (formerly Invitae), Labcorp
Classification: Uncertain significance for Alstrom syndrome. Last evaluated: 2022-02-11. Review status: criteria provided, single submitter. Criteria: Invitae Variant Classification Sherloc (09022015). Collection method: clinical testing. Allele origin: germline.
Comment: In summary, the available evidence is currently insufficient to determine the role of this variant in disease. Therefore, it has been classified as a Variant of Uncertain Significance. Experimental studies and prediction algorithms are not available or were not evaluated, and the functional significance of this variant is currently unknown. This variant has not been reported in the literature in individuals affected with ALMS1-related conditions. This variant is not present in population databases (gnomAD no frequency). This sequence change replaces glycine, which is neutral and non-polar, with valine, which is neutral and non-polar, at codon 1791 of the ALMS1 protein (p.Gly1791Val).